The following is an entry in ClinVar:

ClinVar aggregate classification (germline): Likely benign (1 of 4 stars; one submission).

Allele frequency attached by ClinVar (database versions not stated): TOPMed 0.00013; gnomAD 0.00015; ExAC 0.00023; gnomAD exomes 0.00023; 1000 Genomes Project 30x 0.00047; 1000 Genomes Project 0.00060.
gnomAD v4.1: 358 of 1,614,002 alleles (0.022%); highest among the groups gnomAD compares: East Asian, 0.45%; no homozygotes.

Submission:

CeGaT Center for Human Genetics Tuebingen
Classification: Likely benign. Last evaluated: 2023-04-01. Review status: criteria provided, single submitter. Criteria: CeGaT Center For Human Genetics Tuebingen Variant Classification Criteria Version 2. Collection method: clinical testing. Allele origin: germline. Affected: yes. Observed: 1 variant allele.
Comment: OR8I2: BP4, BP7

NM_001003750.1(OR8I2):c.760C>T (p.Leu254=)

Gene: OR8I2 (olfactory receptor family 8 subfamily I member 2; plus strand). Cytogenetic location: 11q12.1.
Variant type: single nucleotide variant.
Coding change: c.760C>T on transcript NM_001003750.1 (MANE Select); coding-DNA position 760, C replaced by T.
Protein change: p.Leu254=; no amino-acid change (leucine 254 retained).
Molecular consequence: synonymous variant.
Genome position (GRCh38, 1-based): chr11:56,094,067, C>T. VCF-style: chr11-56094067-C-T. GRCh37 (hg19) VCF-style: chr11-55861543-C-T.
Identifiers: ClinVar variation 2641787 (VCV002641787.24), dbSNP rs199721290, ClinGen allele CA5995597.